The following is an entry in ClinVar:

ClinVar aggregate classification (germline): Uncertain significance (1 of 4 stars; one submission).

Conditions:
Inborn genetic diseases. Identifiers: MedGen C0950123, MeSH D030342.

Submission:

Ambry Genetics
Classification: Uncertain significance for Inborn genetic diseases. Last evaluated: 2022-10-05. Review status: criteria provided, single submitter. Criteria: Ambry Variant Classification Scheme 2023. Collection method: clinical testing. Allele origin: germline.
Comment: The c.220G>A (p.A74T) alteration is located in exon 5 (coding exon 3) of the SCAMP5 gene. This alteration results from a G to A substitution at nucleotide position 220, causing the alanine (A) at amino acid position 74 to be replaced by a threonine (T). This variant was not reported in population-based cohorts in the Genome Aggregation Database (gnomAD). This amino acid position is highly conserved in available vertebrate species. The in silico prediction for this alteration is inconclusive. Based on insufficient or conflicting evidence, the clinical significance of this alteration remains unclear.

NM_138967.4(SCAMP5):c.220G>A (p.Ala74Thr)

Gene: SCAMP5 (secretory carrier membrane protein 5; plus strand). Cytogenetic location: 15q24.2.
Variant type: single nucleotide variant.
Coding change: c.220G>A on transcript NM_138967.4 (MANE Select); coding-DNA position 220, G replaced by A.
Protein change: p.Ala74Thr; replaces alanine 74 with threonine.
Molecular consequence: missense variant.
Genome position (GRCh38, 1-based): chr15:75,016,676, G>A. VCF-style: chr15-75016676-G-A. GRCh37 (hg19) VCF-style: chr15-75309017-G-A.
Other names: c.220G>A, p.Ala74Thr (NM_001178111.2, NM_001178112.2); short protein forms A74T.
Identifiers: ClinVar variation 2317020 (VCV002317020.2), dbSNP rs2065862458, ClinGen allele CA393435181.